The following is an entry in ClinVar:

NM_021020.5(LZTS1):c.1675C>T (p.Arg559Cys)

Gene: LZTS1 (leucine zipper tumor suppressor 1; minus strand). Cytogenetic location: 8p21.3.
Variant type: single nucleotide variant.
Coding change: c.1675C>T on transcript NM_021020.5 (MANE Select); coding-DNA position 1675, C replaced by T.
Protein change: p.Arg559Cys; replaces arginine 559 with cysteine.
Molecular consequence: missense variant.
Genome position (GRCh38, 1-based): chr8:20,249,838, G>A on the plus strand (C>T on the coding strand, the complement: LZTS1 is on the minus strand). VCF-style: chr8-20249838-G-A. GRCh37 (hg19) VCF-style: chr8-20107349-G-A.
Other names: c.1675C>T (NM_021020.3); c.1675C>T, p.Arg559Cys (NM_001362884.2); short protein forms R559C.
Identifiers: ClinVar variation 2513322 (VCV002513322.6), dbSNP rs146878421, ClinGen allele CA4657217.

ClinVar aggregate classification (germline): Uncertain significance. Review status: criteria provided, multiple submitters, no conflicts (2 of 4 stars). 3 submissions from 3 submitters: Uncertain significance (3). Last evaluated 2026-01-12.

Conditions:
LZTS1-related disorder. Also called: LZTS1-related condition.

Allele frequency attached by ClinVar (database versions not stated): ExAC 0.00004; gnomAD 0.00005; ESP Exome Variant Server 0.00015; TOPMed 0.00006.
gnomAD v4.1: 32 of 1,614,070 alleles (0.002%); highest among the groups gnomAD compares: Middle Eastern, 0.016%; no homozygotes.

Submissions (3):

Labcorp Genetics (formerly Invitae), Labcorp
Classification: Uncertain significance. Last evaluated: 2026-01-12. Review status: criteria provided, single submitter. Criteria: Invitae Variant Classification Sherloc (09022015). Collection method: clinical testing. Allele origin: germline.
Comment: This sequence change replaces arginine, which is basic and polar, with cysteine, which is neutral and slightly polar, at codon 559 of the LZTS1 protein (p.Arg559Cys). This variant is present in population databases (rs146878421, gnomAD 0.02%). This variant has not been reported in the literature in individuals affected with LZTS1-related conditions. ClinVar contains an entry for this variant (Variation ID: 2513322). Invitae Evidence Modeling of protein sequence and biophysical properties (such as structural, functional, and spatial information, amino acid conservation, physicochemical variation, residue mobility, and thermodynamic stability) indicates that this missense variant is not expected to disrupt LZTS1 protein function with a negative predictive value of 80%. In summary, the available evidence is currently insufficient to determine the role of this variant in disease. Therefore, it has been classified as a Variant of Uncertain Significance.

Ambry Genetics
Classification: Uncertain significance. Last evaluated: 2025-06-07. Review status: criteria provided, single submitter. Criteria: Ambry Variant Classification Scheme 2023. Collection method: clinical testing. Allele origin: germline.

PreventionGenetics, part of Exact Sciences
Classification: Uncertain significance for LZTS1-related condition. Last evaluated: 2022-12-09. Review status: criteria provided, single submitter. Criteria: ACMG Guidelines, 2015. Collection method: clinical testing. Allele origin: germline.
Comment: The LZTS1 c.1675C>T variant is predicted to result in the amino acid substitution p.Arg559Cys. To our knowledge, this variant has not been reported in the literature. This variant is reported in 0.016% of alleles in individuals of African descent in gnomAD. At this time, the clinical significance of this variant is uncertain due to the absence of conclusive functional and genetic evidence.